The following is an entry in ClinVar:

ClinVar aggregate classification (germline): Uncertain significance (1 of 4 stars; one submission).

Submission:

GeneDx
Classification: Uncertain significance. Last evaluated: 2024-10-11. Review status: criteria provided, single submitter. Criteria: GeneDx Variant Classification Process June 2021. Collection method: clinical testing. Allele origin: germline. Affected: yes.
Comment: Not observed at significant frequency in large population cohorts (gnomAD); Nonsense variant predicted to result in protein truncation or nonsense mediated decay in a gene or region of a gene for which loss of function is not a well-established mechanism of disease; Has not been previously published as pathogenic or benign to our knowledge

NM_006445.4(PRPF8):c.6059C>A (p.Ser2020Ter)

Gene: PRPF8 (pre-mRNA processing factor 8; minus strand). Cytogenetic location: 17p13.3.
Variant type: single nucleotide variant.
Coding change: c.6059C>A on transcript NM_006445.4 (MANE Select); coding-DNA position 6059, C replaced by A.
Protein change: p.Ser2020Ter; replaces serine 2020 with a stop codon.
Molecular consequence: nonsense.
Genome position (GRCh38, 1-based): chr17:1,653,945, G>T on the plus strand (C>A on the coding strand, the complement: PRPF8 is on the minus strand). VCF-style: chr17-1653945-G-T. GRCh37 (hg19) VCF-style: chr17-1557239-G-T.
Other names: short protein forms S2020*.
Identifiers: ClinVar variation 3777352 (VCV003777352.1).